The following is an entry in ClinVar:

NM_001040142.2(SCN2A):c.5995G>T (p.Asp1999Tyr)

Gene: SCN2A (sodium voltage-gated channel alpha subunit 2; plus strand). Cytogenetic location: 2q24.3.
Variant type: single nucleotide variant.
Coding change: c.5995G>T on transcript NM_001040142.2 (MANE Select); coding-DNA position 5995, G replaced by T.
Protein change: p.Asp1999Tyr; replaces aspartic acid 1999 with tyrosine.
Molecular consequence: missense variant.
Genome position (GRCh38, 1-based): chr2:165,389,801, G>T. VCF-style: chr2-165389801-G-T. GRCh37 (hg19) VCF-style: chr2-166246311-G-T.
Other names: c.5995G>T, p.Asp1999Tyr (NM_001040143.2, NM_001371246.1, NM_001371247.1 and 1 more transcripts); short protein forms D1999Y.
Identifiers: ClinVar variation 930759 (VCV000930759.3), dbSNP rs1702058510, ClinGen allele CA349041965.

ClinVar aggregate classification (germline): Uncertain significance (1 of 4 stars; one submission).

Conditions:
Seizures, benign familial infantile, 3 (BFIS3). Also called: CONVULSIONS, BENIGN FAMILIAL INFANTILE, 3; Familial neonatal seizures. Identifiers: Orphanet 140927, Orphanet 306, MedGen C1843140, MONDO:0011904, OMIM 607745.

Allele frequency attached by ClinVar (database versions not stated): gnomAD exomes 0.00001.
gnomAD v4.1: 3 of 1,611,516 alleles (0.00019%); highest among the groups gnomAD compares: South Asian, 0.0011%; no homozygotes.

Submission:

Centre for Mendelian Genomics, University Medical Centre Ljubljana
Classification: Uncertain significance for Seizures, benign familial infantile, 3. Last evaluated: 2019-09-09. Review status: criteria provided, single submitter. Criteria: ACMG Guidelines, 2015. Collection method: clinical testing. Allele origin: unknown. Affected: yes.
Comment: This variant was classified as: Uncertain significance. The available evidence on this variant's pathogenicity is insufficient or conflicting. The following ACMG criteria were applied in classifying this variant: PM2.